The following is an entry in ClinVar:

ClinVar aggregate classification (germline): Uncertain significance. Review status: criteria provided, multiple submitters, no conflicts (2 of 4 stars). 2 submissions from 2 submitters: Uncertain significance (2). Last evaluated 2026-03-01.

gnomAD v4.1: 133 of 1,552,226 alleles (0.0086%); highest among the groups gnomAD compares: Non-Finnish European, 0.011%; no homozygotes.

Submissions (2):

CeGaT Center for Human Genetics Tuebingen
Classification: Uncertain significance. Last evaluated: 2026-03-01. Review status: criteria provided, single submitter. Criteria: CeGaT Center For Human Genetics Tuebingen Variant Classification Criteria Version 2. Collection method: clinical testing. Allele origin: germline. Affected: yes. Observed: 1 variant allele.
Comment: TET2: PM2, BP4

Labcorp Genetics (formerly Invitae), Labcorp
Classification: Uncertain significance. Last evaluated: 2025-05-19. Review status: criteria provided, single submitter. Criteria: Invitae Variant Classification Sherloc (09022015). Collection method: clinical testing. Allele origin: germline.
Comment: This sequence change replaces serine, which is neutral and polar, with arginine, which is basic and polar, at codon 1577 of the TET2 protein (p.Ser1577Arg). This variant is present in population databases (no rsID available, gnomAD 0.002%). This variant has not been reported in the literature in individuals affected with TET2-related conditions. An algorithm developed to predict the effect of missense changes on protein structure and function (PolyPhen-2) suggests that this variant is likely to be disruptive. In summary, the available evidence is currently insufficient to determine the role of this variant in disease. Therefore, it has been classified as a Variant of Uncertain Significance.

NM_001127208.3(TET2):c.4729A>C (p.Ser1577Arg)

Genes: TET2 (tet methylcytosine dioxygenase 2; plus strand), TET2-AS1 (TET2 antisense RNA 1; minus strand). Cytogenetic location: 4q24.
Variant type: single nucleotide variant.
Coding change: c.4729A>C on transcript NM_001127208.3 (MANE Select); coding-DNA position 4729, A replaced by C.
Protein change: p.Ser1577Arg; replaces serine 1577 with arginine.
Molecular consequence: missense variant.
Genome position (GRCh38, 1-based): chr4:105,275,239, A>C. VCF-style: chr4-105275239-A-C. GRCh37 (hg19) VCF-style: chr4-106196396-A-C.
Other names: short protein forms S1577R.
Identifiers: ClinVar variation 4747749 (VCV004747749.5).